The following is an entry in ClinVar:

ClinVar aggregate classification (germline): Benign (1 of 4 stars; one submission).

Conditions:
Parietal foramina 2 (PFM2). Identifiers: Orphanet 60015, MedGen C1865044, MONDO:0012309, OMIM 609597.

Allele frequency attached by ClinVar (database versions not stated): gnomAD 0.00663 and 0.00769; TOPMed 0.00931; 1000 Genomes Project 30x 0.01312; 1000 Genomes Project 0.01458.

Submission:

Illumina Laboratory Services, Illumina
Classification: Benign for Parietal foramina 2. Last evaluated: 2018-01-13. Review status: criteria provided, single submitter. Criteria: ICSL Variant Classification Criteria 13 December 2019. Collection method: clinical testing. Allele origin: germline.
Comment: This variant was observed in the ICSL laboratory as part of a predisposition screen in an ostensibly healthy population. It had not been previously curated by ICSL or reported in the Human Gene Mutation Database (HGMD: prior to June 1st, 2018), and was therefore a candidate for classification through an automated scoring system. Utilizing variant allele frequency, disease prevalence and penetrance estimates, and inheritance mode, an automated score was calculated to assess if this variant is too frequent to cause the disease. Based on the score and internal cut-off values, a variant classified as benign is not then subjected to further curation. The score for this variant resulted in a classification of benign for this disease.

NM_021926.4(ALX4):c.*3012C>G

Gene: ALX4 (ALX homeobox 4; minus strand). Cytogenetic location: 11p11.2.
Variant type: single nucleotide variant.
Coding change: c.*3012C>G on transcript NM_021926.4 (MANE Select); 3012 bases downstream of the stop codon, C replaced by G.
Molecular consequence: 3 prime UTR variant.
Genome position (GRCh38, 1-based): chr11:44,261,842, G>C on the plus strand (C>G on the coding strand, the complement: ALX4 is on the minus strand). VCF-style: chr11-44261842-G-C. GRCh37 (hg19) VCF-style: chr11-44283392-G-C.
Other names: c.*3012C>G (LRG_1256t1).
Identifiers: ClinVar variation 304627 (VCV000304627.5), dbSNP rs117877500, ClinGen allele CA10630874.